The following is an entry in ClinVar:

NM_182925.5(FLT4):c.1267dup (p.Gln423fs)

Gene: FLT4 (fms related receptor tyrosine kinase 4; minus strand). Cytogenetic location: 5q35.3.
Variant type: Duplication.
Coding change: c.1267dup on transcript NM_182925.5 (MANE Select); coding-DNA position 1267, one base duplicated (C; older notation c.1267dupC).
Protein change: p.Gln423fs; shifts the reading frame from glutamine 423.
Molecular consequence: frameshift variant.
Genome position (GRCh38, 1-based): chr5:180,626,023, G duplicated on the plus strand (C on the coding strand, the reverse complement: FLT4 is on the minus strand); the first of 7 consecutive G bases (chr5:180,626,023-180,626,029); duplicating any one gives the same sequence. VCF-style (leftmost placement, unchanged base first): chr5-180626022-T-TG. GRCh37 (hg19) VCF-style: chr5-180053022-T-TG.
Other names: c.1267dup, p.Gln423fs (NM_001354989.2, NM_002020.5); short protein forms Q423fs.
Identifiers: ClinVar variation 5037700 (VCV005037700.1).

ClinVar aggregate classification (germline): Likely pathogenic (1 of 4 stars; one submission).

Submission:

GeneDx
Classification: Likely pathogenic. Last evaluated: 2026-04-11. Review status: criteria provided, single submitter. Criteria: GeneDx Variant Classification Process June 2021. Collection method: clinical testing. Allele origin: germline.
Comment: Frameshift variant predicted to result in protein truncation or nonsense mediated decay in a gene for which loss of function is a known mechanism of disease; Reported in at least one patient with tetralogy of Fallot in published literature (PMID: 30582441, 34328347); This variant is associated with the following publications: (PMID: 30582441, 34328347)